The following is an entry in ClinVar:

ClinVar aggregate classification (germline): Conflicting classifications of pathogenicity. Review status: criteria provided, conflicting classifications (1 of 4 stars). 6 submissions from 5 submitters: Pathogenic (1); Likely pathogenic (3); Uncertain significance (1). 1 of the submissions does not count toward it. Last evaluated 2025-08-14.

Conditions:
MCPH1-related disorder. Also called: MCPH1-related condition.
Microcephaly 1, primary, autosomal recessive (MCPH1). Also called: PREMATURE CHROMOSOME CONDENSATION SYNDROME; PCC SYNDROME; PREMATURE CHROMOSOME CONDENSATION WITH MICROCEPHALY AND MENTAL RETARDATION. Identifiers: Orphanet 2512, MedGen C1855081, MONDO:0009617, OMIM 251200.

Allele frequency attached by ClinVar (database versions not stated): TOPMed 0.00001.
gnomAD v4.1: 13 of 1,613,932 alleles (0.00081%); highest among the groups gnomAD compares: East Asian, 0.0022%; no homozygotes.

Submissions (6):

GeneDx
Classification: Likely pathogenic. Last evaluated: 2025-08-14. Review status: criteria provided, single submitter. Criteria: GeneDx Variant Classification Process June 2021. Collection method: clinical testing. Allele origin: germline. Affected: yes.
Comment: Canonical splice site variant predicted to result in an in-frame loss of the adjacent exon in a gene for which loss of function is a known mechanism of disease; Not observed at significant frequency in large population cohorts (gnomAD); Has not been previously published as pathogenic or benign to our knowledge

Genomic Medicine Center of Excellence, King Faisal Specialist Hospital and Research Centre
Classification: Likely pathogenic for Microcephaly 1, primary, autosomal recessive. Last evaluated: 2024-04-04. Review status: criteria provided, single submitter. Criteria: ACMG Guidelines, 2015. Collection method: clinical testing. Allele origin: germline.

Labcorp Genetics (formerly Invitae), Labcorp
Classification: Uncertain significance. Last evaluated: 2023-12-21. Review status: criteria provided, single submitter. Criteria: Invitae Variant Classification Sherloc (09022015). Collection method: clinical testing. Allele origin: germline.
Comment: This sequence change affects an acceptor splice site in intron 13 of the MCPH1 gene. However, it is currently unclear if variants that occur in this region of the gene cause disease. This variant is present in population databases (rs587783739, gnomAD 0.003%). This variant has not been reported in the literature in individuals affected with MCPH1-related conditions. ClinVar contains an entry for this variant (Variation ID: 158863). Algorithms developed to predict the effect of sequence changes on RNA splicing suggest that this variant may disrupt the consensus splice site. In summary, the available evidence is currently insufficient to determine the role of this variant in disease. Therefore, it has been classified as a Variant of Uncertain Significance.

Blueprint Genetics
Classification: Likely pathogenic for MCPH1-related disorders. Last evaluated: 2023-09-22. Review status: criteria provided, single submitter. Criteria: ACMG Guidelines, 2015. Collection method: clinical testing. Allele origin: germline. Affected: yes. Observed: 2 variant alleles.

Genetic Services Laboratory, University of Chicago
Classification: Pathogenic for Microcephaly 1, primary, autosomal recessive. Last evaluated: 2012-11-29. Review status: criteria provided, single submitter. Criteria: ACMG Guidelines, 2007. Collection method: clinical testing. Allele origin: germline. Inheritance: Autosomal recessive inheritance. Affected: yes.

Genomic Medicine Center of Excellence, King Faisal Specialist Hospital and Research Centre
Classification: Likely pathogenic. Review status: flagged submission. Criteria: ACMG Guidelines, 2015. Collection method: research. Allele origin: germline. Affected: yes. Not counted in ClinVar's aggregate classification.
ClinVar note: Reason: This record appears to be redundant with a more recent record from the same submitter.
ClinVar note: Notes: SCV000221608 appears to be redundant with SCV004809943.

NM_024596.5(MCPH1):c.2453-1G>C

Genes: MCPH1-AS1 (MCPH1 antisense RNA 1; minus strand), MCPH1 (microcephalin 1; plus strand). Cytogenetic location: 8p23.1.
Variant type: single nucleotide variant.
Coding change: c.2453-1G>C on transcript NM_024596.5 (MANE Select); the canonical splice acceptor site of the intron before coding-DNA position 2453, G replaced by C.
Molecular consequence: splice acceptor variant.
Genome position (GRCh38, 1-based): chr8:6,642,993, G>C. VCF-style: chr8-6642993-G-C. GRCh37 (hg19) VCF-style: chr8-6500514-G-C.
Other names: c.2595-1G>C (NM_001322042.2); c.2174-1G>C (NM_001363980.2).
Identifiers: ClinVar variation 158863 (VCV000158863.11), dbSNP rs587783739, ClinGen allele CA236295.